The following is an entry in ClinVar:

ClinVar aggregate classification (germline): Uncertain significance (1 of 4 stars; one submission).

Conditions:
Intellectual developmental disorder with dysmorphic facies and behavioral abnormalities. Identifiers: MedGen C4748135, MONDO:0060760, OMIM 618089.

Submission:

3billion
Classification: Uncertain significance for Intellectual developmental disorder with dysmorphic facies and behavioral abnormalities. Last evaluated: 2025-10-22. Review status: criteria provided, single submitter. Criteria: ACMG Guidelines, 2015. Collection method: clinical testing. Allele origin: germline. Affected: yes.
Comment: The variant is not observed in the gnomAD v4.1.0 dataset. Predicted Consequence/Location: Missense variant In silico tool predictions suggest damaging effect of the variant on gene or gene product [3Cnet: 0.77 (> 0.75, sensitivity 0.96 and precision 0.92)]. Therefore, this variant is classified as VUS according to the recommendation of ACMG/AMP guideline.

NM_001190274.2(FBXO11):c.1438G>A (p.Ala480Thr)

Gene: FBXO11 (F-box protein 11; minus strand). Cytogenetic location: 2p16.3.
Variant type: single nucleotide variant.
Coding change: c.1438G>A on transcript NM_001190274.2 (MANE Select); coding-DNA position 1438, G replaced by A.
Protein change: p.Ala480Thr; replaces alanine 480 with threonine.
Molecular consequence: missense variant.
Genome position (GRCh38, 1-based): chr2:47,823,321, C>T on the plus strand (G>A on the coding strand, the complement: FBXO11 is on the minus strand). VCF-style: chr2-47823321-C-T. GRCh37 (hg19) VCF-style: chr2-48050460-C-T.
Other names: c.1186G>A, p.Ala396Thr (NM_001374325.1, NM_025133.4); short protein forms A396T, A480T.
Identifiers: ClinVar variation 4854342 (VCV004854342.1).